The following is an entry in ClinVar:

ClinVar aggregate classification (germline): Pathogenic (1 of 4 stars; one submission).

Conditions:
Hereditary nonpolyposis colorectal neoplasms. Identifiers: MedGen C0009405, MeSH D003123.

Submission:

Labcorp Genetics (formerly Invitae), Labcorp
Classification: Pathogenic for Hereditary nonpolyposis colorectal neoplasms. Last evaluated: 2022-07-06. Review status: criteria provided, single submitter. Criteria: Invitae Variant Classification Sherloc (09022015). Collection method: clinical testing. Allele origin: germline.
Comment: For these reasons, this variant has been classified as Pathogenic. ClinVar contains an entry for this variant (Variation ID: 1452848). This sequence change creates a premature translational stop signal (p.Asp649*) in the MSH6 gene. It is expected to result in an absent or disrupted protein product. Loss-of-function variants in MSH6 are known to be pathogenic (PMID: 18269114, 24362816). This variant is not present in population databases (gnomAD no frequency). This variant has not been reported in the literature in individuals affected with MSH6-related conditions.

Literature cited by the submitters: PubMed 18269114; PubMed 24362816.

NM_000179.3(MSH6):c.1944dup (p.Asp649Ter)

Gene: MSH6 (mutS homolog 6; plus strand). Cytogenetic location: 2p16.3.
Variant type: Duplication.
Coding change: c.1944dup on transcript NM_000179.3 (MANE Select); coding-DNA position 1944, one base duplicated (T; older notation c.1944dupT).
Protein change: p.Asp649Ter; replaces aspartic acid 649 with a stop codon.
Molecular consequence: nonsense.
Genome position (GRCh38, 1-based): chr2:47,799,927, T duplicated. VCF-style (leftmost placement, unchanged base first): chr2-47799926-G-GT. GRCh37 (hg19) VCF-style: chr2-48027065-G-GT.
Other names: c.1554dup, p.Asp519Ter (NM_001281492.2); c.1038dup, p.Asp347Ter (NM_001281493.2, NM_001281494.2); short protein forms D347*, D519*, D649*.
Identifiers: ClinVar variation 1452848 (VCV001452848.6), dbSNP rs2104378017, ClinGen allele CA2573134999.